The following is an entry in ClinVar:

NM_003998.4(NFKB1):c.1169G>A (p.Gly390Asp)

Gene: NFKB1 (nuclear factor kappa B subunit 1; plus strand). Cytogenetic location: 4q24.
Variant type: single nucleotide variant.
Coding change: c.1169G>A on transcript NM_003998.4 (MANE Select); coding-DNA position 1169, G replaced by A.
Protein change: p.Gly390Asp; replaces glycine 390 with aspartic acid.
Molecular consequence: missense variant.
Genome position (GRCh38, 1-based): chr4:102,593,527, G>A. VCF-style: chr4-102593527-G-A. GRCh37 (hg19) VCF-style: chr4-103514684-G-A.
Other names: c.1166G>A, p.Gly389Asp (NM_001165412.2, NM_001319226.2, NM_001382627.1); c.1169G>A, p.Gly390Asp (NM_001382625.1, NM_001382626.1); c.1127G>A, p.Gly376Asp (NM_001382628.1); short protein forms G390D, G389D, G376D.
Identifiers: ClinVar variation 2813668 (VCV002813668.3), dbSNP rs1726346285, ClinGen allele CA357750490.

ClinVar aggregate classification (germline): Uncertain significance (1 of 4 stars; one submission).

gnomAD v4.1: 1 of 1,613,800 alleles (0.000062%); highest among the groups gnomAD compares: East Asian, 0.0022%; no homozygotes.

Submission:

Labcorp Genetics (formerly Invitae), Labcorp
Classification: Uncertain significance. Last evaluated: 2024-02-23. Review status: criteria provided, single submitter. Criteria: Invitae Variant Classification Sherloc (09022015). Collection method: clinical testing. Allele origin: germline.
Comment: This sequence change replaces glycine, which is neutral and non-polar, with aspartic acid, which is acidic and polar, at codon 390 of the NFKB1 protein (p.Gly390Asp). This variant is not present in population databases (gnomAD no frequency). This variant has not been reported in the literature in individuals affected with NFKB1-related conditions. Advanced modeling of protein sequence and biophysical properties (such as structural, functional, and spatial information, amino acid conservation, physicochemical variation, residue mobility, and thermodynamic stability) performed at Invitae indicates that this missense variant is not expected to disrupt NFKB1 protein function with a negative predictive value of 80%. In summary, the available evidence is currently insufficient to determine the role of this variant in disease. Therefore, it has been classified as a Variant of Uncertain Significance.